The following is an entry in ClinVar:

NM_000383.4(AIRE):c.1456G>C (p.Gly486Arg)

Gene: AIRE (autoimmune regulator; plus strand). Cytogenetic location: 21q22.3.
Variant type: single nucleotide variant.
Coding change: c.1456G>C on transcript NM_000383.4 (MANE Select); coding-DNA position 1456, G replaced by C.
Protein change: p.Gly486Arg; replaces glycine 486 with arginine.
Molecular consequence: missense variant.
Genome position (GRCh38, 1-based): chr21:44,294,456, G>C. VCF-style: chr21-44294456-G-C. GRCh37 (hg19) VCF-style: chr21-45714339-G-C.
Other names: short protein forms G486R.
Identifiers: ClinVar variation 854694 (VCV000854694.12), dbSNP rs749111202, ClinGen allele CA10052137.

ClinVar aggregate classification (germline): Uncertain significance. Review status: criteria provided, multiple submitters, no conflicts (2 of 4 stars). 4 submissions from 4 submitters: Uncertain significance (3). 1 of the submissions does not count toward it. Last evaluated 2024-07-11.

Conditions:
Polyglandular autoimmune syndrome, type 1 (APS1). Also called: Autoimmune polyendocrinopathy syndrome , type I, with or without reversible metaphyseal dysplasia; HYPOADRENOCORTICISM WITH HYPOPARATHYROIDISM AND SUPERFICIAL MONILIASIS; PGA I; Autoimmune polyendocrinopathy syndrome, type I; Autoimmune polyendocrine syndrome type 1; AUTOIMMUNE POLYENDOCRINE SYNDROME, TYPE I, WITH OR WITHOUT REVERSIBLE METAPHYSEAL DYSPLASIA. Identifiers: Orphanet 3453, MedGen C0085859, MONDO:0009411, OMIM 240300.

Allele frequency attached by ClinVar (database versions not stated): gnomAD 0.00001; gnomAD exomes 0.00001; TOPMed 0.00001; ExAC 0.00003; 1000 Genomes Project 30x 0.00016.
gnomAD v4.1: 6 of 1,566,328 alleles (0.00038%); highest among the groups gnomAD compares: Middle Eastern, 0.017%; no homozygotes.

Submissions (4):

Labcorp Genetics (formerly Invitae), Labcorp
Classification: Uncertain significance for Polyglandular autoimmune syndrome, type 1. Last evaluated: 2024-07-11. Review status: criteria provided, single submitter. Criteria: Invitae Variant Classification Sherloc (09022015). Collection method: clinical testing. Allele origin: germline.
Comment: This sequence change replaces glycine, which is neutral and non-polar, with arginine, which is basic and polar, at codon 486 of the AIRE protein (p.Gly486Arg). This variant is present in population databases (rs749111202, gnomAD 0.001%). This variant has not been reported in the literature in individuals affected with AIRE-related conditions. ClinVar contains an entry for this variant (Variation ID: 854694). Advanced modeling of protein sequence and biophysical properties (such as structural, functional, and spatial information, amino acid conservation, physicochemical variation, residue mobility, and thermodynamic stability) performed at Invitae indicates that this missense variant is not expected to disrupt AIRE protein function with a negative predictive value of 95%. In summary, the available evidence is currently insufficient to determine the role of this variant in disease. Therefore, it has been classified as a Variant of Uncertain Significance.

Blueprint Genetics
Classification: Uncertain significance. Last evaluated: 2020-08-05. Review status: criteria provided, single submitter. Criteria: ACMG Guidelines, 2015. Collection method: clinical testing. Allele origin: germline.

Breakthrough Genomics
Classification: Uncertain significance. Review status: criteria provided, single submitter. Criteria: ACMG Guidelines, 2015. Collection method: not provided. Allele origin: germline. Inheritance: Autosomal dominant inheritance. Affected: yes.

Natera, Inc.
Classification: Uncertain significance for Polyglandular autoimmune syndrome type 1. Last evaluated: 2021-03-11. Review status: no assertion criteria provided. Collection method: clinical testing. Allele origin: germline. Not counted in ClinVar's aggregate classification.